The following is an entry in ClinVar:

NM_004360.5(CDH1):c.602C>G (p.Pro201Arg)

Gene: CDH1 (cadherin 1; plus strand). Cytogenetic location: 16q22.1.
Variant type: single nucleotide variant.
Coding change: c.602C>G on transcript NM_004360.5 (MANE Select); coding-DNA position 602, C replaced by G.
Protein change: p.Pro201Arg; replaces proline 201 with arginine.
Molecular consequence: missense variant. On other transcripts: 5 prime UTR variant (2).
Genome position (GRCh38, 1-based): chr16:68,808,763, C>G. VCF-style: chr16-68808763-C-G. GRCh37 (hg19) VCF-style: chr16-68842666-C-G.
Other names: c.602C>G (LRG_301t1); c.602C>G, p.Pro201Arg (NM_001317184.2); c.-1014C>G (NM_001317185.2); c.-1218C>G (NM_001317186.2); short protein forms P201R.
Identifiers: ClinVar variation 422737 (VCV000422737.27), dbSNP rs146777134, ClinGen allele CA8129897.

ClinVar aggregate classification (germline): Conflicting classifications of pathogenicity. Review status: criteria provided, conflicting classifications (1 of 4 stars). 7 submissions from 7 submitters: Uncertain significance (6); Benign (1). Last evaluated 2025-12-13.

Conditions:
CDH1-related disorder. Also called: CDH1-related condition.
Familial cancer of breast. Also called: hereditary breast carcinoma; Hereditary breast cancer; BREAST CANCER, FAMILIAL. Identifiers: Orphanet 227535, MedGen C0346153, MONDO:0016419, OMIM 114480. Disease mechanism: loss of function.
Hereditary cancer-predisposing syndrome. Also called: Hereditary neoplastic syndrome; Hereditary Cancer Syndrome; Neoplastic Syndromes, Hereditary; Tumor predisposition. Identifiers: Orphanet 140162, MedGen C0027672, MeSH D009386, MONDO:0015356.
Hereditary diffuse gastric adenocarcinoma (HDGC). Also called: DIFFUSE GASTRIC AND LOBULAR BREAST CANCER SYNDROME. Identifiers: Orphanet 26106, MedGen C1708349, MONDO:0007648, OMIM 137215.

Allele frequency attached by ClinVar (database versions not stated): gnomAD exomes below 0.00001; ExAC 0.00001; gnomAD 0.00001; TOPMed 0.00002; ESP Exome Variant Server 0.00008.
gnomAD v4.1: 2 of 1,614,028 alleles (0.00012%); highest among the groups gnomAD compares: African/African-American, 0.0027%; no homozygotes.

Submissions (7):

Labcorp Genetics (formerly Invitae), Labcorp
Classification: Benign for Hereditary diffuse gastric adenocarcinoma. Last evaluated: 2025-12-13. Review status: criteria provided, single submitter. Criteria: Invitae Variant Classification Sherloc (09022015). Collection method: clinical testing. Allele origin: germline.

Ambry Genetics
Classification: Uncertain significance for Hereditary cancer-predisposing syndrome. Last evaluated: 2025-08-24. Review status: criteria provided, single submitter. Criteria: Ambry Variant Classification Scheme 2023. Collection method: clinical testing. Allele origin: germline.
Comment: The p.P201R variant (also known as c.602C>G), located in coding exon 5 of the CDH1 gene, results from a C to G substitution at nucleotide position 602. The proline at codon 201 is replaced by arginine, an amino acid with dissimilar properties. This amino acid position is highly conserved in available vertebrate species. In addition, this alteration is predicted to be deleterious by in silico analysis. Since supporting evidence is limited at this time, the clinical significance of this alteration remains unclear.

Color Diagnostics, LLC DBA Color Health
Classification: Uncertain significance for Hereditary cancer-predisposing syndrome. Last evaluated: 2023-12-05. Review status: criteria provided, single submitter. Criteria: ACMG Guidelines, 2015. Collection method: clinical testing. Allele origin: germline.
Comment: This missense variant replaces proline with arginine at codon 201 of the CDH1 protein. To our knowledge, functional studies have not been reported for this variant. This variant has not been reported in individuals affected with CDH1-related disorders in the literature. This variant has been identified in 1/251230 chromosomes in the general population by the Genome Aggregation Database (gnomAD). The available evidence is insufficient to determine the role of this variant in disease conclusively. Therefore, this variant is classified as a Variant of Uncertain Significance.

GeneDx
Classification: Uncertain significance. Last evaluated: 2023-12-05. Review status: criteria provided, single submitter. Criteria: GeneDx Variant Classification Process June 2021. Collection method: clinical testing. Allele origin: germline. Affected: yes.
Comment: Not observed at significant frequency in large population cohorts (gnomAD); In silico analysis supports that this missense variant has a deleterious effect on protein structure/function; Has not been previously published as pathogenic or benign to our knowledge; This variant is associated with the following publications: (PMID: 15235021, 22850631)

Baylor Genetics
Classification: Uncertain significance for Familial cancer of breast. Last evaluated: 2023-08-15. Review status: criteria provided, single submitter. Criteria: ACMG Guidelines, 2015. Collection method: clinical testing. Allele origin: unknown.

PreventionGenetics, part of Exact Sciences
Classification: Uncertain significance for CDH1-related condition. Last evaluated: 2023-06-23. Review status: criteria provided, single submitter. Criteria: ACMG Guidelines, 2015. Collection method: clinical testing. Allele origin: germline.
Comment: The CDH1 c.602C>G variant is predicted to result in the amino acid substitution p.Pro201Arg. To our knowledge, this variant has not been reported in the literature. This variant is reported in 0.0062% of alleles in individuals of African descent in gnomAD. In ClinVar, this variant is interpreted as benign/uncertain. At this time, the clinical significance of this variant is uncertain due to the absence of conclusive functional and genetic evidence.

Quest Diagnostics Nichols Institute San Juan Capistrano
Classification: Uncertain significance. Last evaluated: 2015-10-10. Review status: criteria provided, single submitter. Criteria: Quest Diagnostics criteria. Collection method: clinical testing. Allele origin: unknown.
Comment: To the best of our knowledge, this variant has not been reported in the published literature. The frequency of this variant in the general population, 0.000004 (1/251230 chromosomes (Genome Aggregation Database)), is uninformative in the assessment of its pathogenicity. Based on the available information, we are unable to determine the clinical significance of this variant.